The following is an entry in ClinVar:

ClinVar aggregate classification (germline): Uncertain significance. Review status: criteria provided, single submitter (1 of 4 stars). 2 submissions from 2 submitters: Uncertain significance (1). 1 of the submissions does not count toward it. Last evaluated 2025-11-11.

Conditions:
Congenital hyperammonemia, type I. Also called: Carbamoyl phosphate synthetase 1 deficiency; Hyperammonemia due to carbamoyl phosphate synthetase 1 deficiency; CPS 1 deficiency; Carbamyl phosphate synthetase (CPS) deficiency; Carbamoyl-phosphate synthase I deficiency; CPS I DEFICIENCY. Identifiers: Orphanet 147, MedGen C4082171, MONDO:0009376, OMIM 237300.

Allele frequency attached by ClinVar (database versions not stated): gnomAD exomes below 0.00001; TOPMed below 0.00001; ExAC 0.00001.
gnomAD v4.1: 1 of 1,611,758 alleles (0.000062%); highest among the groups gnomAD compares: African/African-American, 0.0013%; no homozygotes.

Submissions (2):

Women's Health and Genetics/Laboratory Corporation of America, LabCorp
Classification: Uncertain significance. Last evaluated: 2025-11-11. Review status: criteria provided, single submitter. Criteria: LabCorp Variant Classification Summary - May 2015. Collection method: clinical testing. Allele origin: germline.
Comment: Variant summary: CPS1 c.1707+3A>G alters a conserved nucleotide located close to a canonical splice site and therefore could affect mRNA splicing, leading to a significantly altered protein sequence. Several computational tools predict a significant impact on normal splicing: Four predict the variant weakens the canonical intron 15 splicing 5' donor site. However, these predictions have yet to be confirmed by functional studies. The variant allele was found at a frequency of 4e-06 in 250664 control chromosomes. The available data on variant occurrences in the general population are insufficient to allow any conclusion about variant significance. To our knowledge, no occurrence of c.1707+3A>G in individuals affected with CPS1-related conditions and no experimental evidence demonstrating its impact on protein function have been reported. ClinVar contains an entry for this variant (Variation ID: 991584). Based on the evidence outlined above, the variant was classified as uncertain significance.

Natera, Inc.
Classification: Uncertain significance for Carbamoyl-phosphate synthase I deficiency. Last evaluated: 2020-08-13. Review status: no assertion criteria provided. Collection method: clinical testing. Allele origin: germline. Not counted in ClinVar's aggregate classification.

NM_001875.5(CPS1):c.1707+3A>G

Gene: CPS1 (carbamoyl-phosphate synthase 1; plus strand). Cytogenetic location: 2q34.
Variant type: single nucleotide variant.
Coding change: c.1707+3A>G on transcript NM_001875.5 (MANE Select); 3 bases into the intron after coding-DNA position 1707, A replaced by G.
Molecular consequence: intron variant.
Genome position (GRCh38, 1-based): chr2:210,600,715, A>G. VCF-style: chr2-210600715-A-G. GRCh37 (hg19) VCF-style: chr2-211465439-A-G.
Other names: c.1707+3A>G (NM_001369257.1, NM_001122633.3); c.1740+3A>G (NM_001369256.1).
Identifiers: ClinVar variation 991584 (VCV000991584.2), dbSNP rs754232832, ClinGen allele CA2086429.